The following is an entry in ClinVar:

NM_031844.3(HNRNPU):c.2009A>G (p.Lys670Arg)

Gene: HNRNPU (heterogeneous nuclear ribonucleoprotein U; minus strand). Cytogenetic location: 1q44.
Variant type: single nucleotide variant.
Coding change: c.2009A>G on transcript NM_031844.3 (MANE Select); coding-DNA position 2009, A replaced by G.
Protein change: p.Lys670Arg; replaces lysine 670 with arginine.
Molecular consequence: missense variant.
Genome position (GRCh38, 1-based): chr1:244,856,062, T>C on the plus strand (A>G on the coding strand, the complement: HNRNPU is on the minus strand). VCF-style: chr1-244856062-T-C. GRCh37 (hg19) VCF-style: chr1-245019364-T-C.
Other names: c.1952A>G, p.Lys651Arg (NM_004501.3); short protein forms K670R, K651R.
Identifiers: ClinVar variation 835153 (VCV000835153.10), dbSNP rs937095421, ClinGen allele CA40499439.
Genomic context (GRCh38, chr1:244,856,062, plus strand): 5'-CTTTTCTTTGAGCCAGTGTTCTGTTTCTTTTCTGGTGGAAGAGCCTTTTTGCTTTCTTCC[T>C]TATATTGCTCCAAGAGTTTTTGGGCTTCTTCCTTCTGAAGTTCAACATAGGTTATTTCAT-3'
Protein context (NP_114032.2, residues 660-680): EEAQKLLEQY[Lys670Arg]EESKKALPPE

ClinVar aggregate classification (germline): Conflicting classifications of pathogenicity. Review status: criteria provided, conflicting classifications (1 of 4 stars). 2 submissions from 2 submitters: Uncertain significance (1); Benign (1). Last evaluated 2024-09-23.

Conditions:
Inborn genetic diseases. Identifiers: MedGen C0950123, MeSH D030342.
Developmental and epileptic encephalopathy, 54. Also called: Epileptic encephalopathy, early infantile, 54; HNRNPU-Related Neurodevelopmental Disorder. Identifiers: MedGen C4479319, MONDO:0033363, OMIM 617391.

Allele frequency attached by ClinVar (database versions not stated): gnomAD exomes 0.00001; TOPMed 0.00001.
gnomAD v4.1: 3 of 1,614,118 alleles (0.00019%); highest among the groups gnomAD compares: Admixed American, 0.005%; no homozygotes.

Submissions (2):

Labcorp Genetics (formerly Invitae), Labcorp
Classification: Benign for Developmental and epileptic encephalopathy, 54. Last evaluated: 2024-09-23. Review status: criteria provided, single submitter. Criteria: Invitae Variant Classification Sherloc (09022015). Collection method: clinical testing. Allele origin: germline.

Ambry Genetics
Classification: Uncertain significance for Inborn genetic diseases. Last evaluated: 2017-10-13. Review status: criteria provided, single submitter. Criteria: Ambry Variant Classification Scheme 2023. Collection method: clinical testing. Allele origin: germline.
Comment: The p.K670R variant (also known as c.2009A>G), located in coding exon 11 of the HNRNPU gene, results from an A to G substitution at nucleotide position 2009. The lysine at codon 670 is replaced by arginine, an amino acid with highly similar properties. This amino acid position is highly conserved in available vertebrate species. In addition, this alteration is predicted to be tolerated by in silico analysis. Since supporting evidence is limited at this time, the clinical significance of this alteration remains unclear.